The following is an entry in ClinVar:

NM_001457.4(FLNB):c.1478G>T (p.Gly493Val)

Gene: FLNB (filamin B; plus strand). Cytogenetic location: 3p14.3.
Variant type: single nucleotide variant.
Coding change: c.1478G>T on transcript NM_001457.4 (MANE Select); coding-DNA position 1478, G replaced by T.
Protein change: p.Gly493Val; replaces glycine 493 with valine.
Molecular consequence: missense variant.
Genome position (GRCh38, 1-based): chr3:58,102,335, G>T. VCF-style: chr3-58102335-G-T. GRCh37 (hg19) VCF-style: chr3-58088062-G-T.
Other names: c.1478G>T, p.Gly493Val (NM_001164317.2, NM_001164318.2, NM_001164319.2); c.1478G>T (NM_001457.3); short protein forms G493V.
Identifiers: ClinVar variation 1924822 (VCV001924822.6), dbSNP rs772799923, ClinGen allele CA2467819.

ClinVar aggregate classification (germline): Uncertain significance. Review status: criteria provided, multiple submitters, no conflicts (2 of 4 stars). 2 submissions from 2 submitters: Uncertain significance (2). Last evaluated 2025-04-17.

Allele frequency attached by ClinVar (database versions not stated): ExAC 0.00001; gnomAD 0.00001; TOPMed 0.00001.
gnomAD v4.1: 8 of 1,612,466 alleles (0.0005%); highest among the groups gnomAD compares: Admixed American, 0.012%; no homozygotes.

Submissions (2):

Labcorp Genetics (formerly Invitae), Labcorp
Classification: Uncertain significance. Last evaluated: 2025-04-17. Review status: criteria provided, single submitter. Criteria: Invitae Variant Classification Sherloc (09022015). Collection method: clinical testing. Allele origin: germline.
Comment: This sequence change replaces glycine, which is neutral and non-polar, with valine, which is neutral and non-polar, at codon 493 of the FLNB protein (p.Gly493Val). This variant is present in population databases (rs772799923, gnomAD 0.01%). This variant has not been reported in the literature in individuals affected with FLNB-related conditions. ClinVar contains an entry for this variant (Variation ID: 1924822). Invitae Evidence Modeling of protein sequence and biophysical properties (such as structural, functional, and spatial information, amino acid conservation, physicochemical variation, residue mobility, and thermodynamic stability) has been performed for this missense variant. However, the output from this modeling did not meet the statistical confidence thresholds required to predict the impact of this variant on FLNB protein function. In summary, the available evidence is currently insufficient to determine the role of this variant in disease. Therefore, it has been classified as a Variant of Uncertain Significance.

GeneDx
Classification: Uncertain significance. Last evaluated: 2024-03-04. Review status: criteria provided, single submitter. Criteria: GeneDx Variant Classification Process June 2021. Collection method: clinical testing. Allele origin: germline. Affected: yes.
Comment: In silico analysis supports that this missense variant has a deleterious effect on protein structure/function; Has not been previously published as pathogenic or benign to our knowledge